The following is an entry in ClinVar:

NM_015311.3(OBSL1):c.4477G>A (p.Asp1493Asn)

Gene: OBSL1 (obscurin like cytoskeletal adaptor 1; minus strand). Cytogenetic location: 2q35.
Variant type: single nucleotide variant.
Coding change: c.4477G>A on transcript NM_015311.3 (MANE Select); coding-DNA position 4477, G replaced by A.
Protein change: p.Asp1493Asn; replaces aspartic acid 1493 with asparagine.
Molecular consequence: missense variant.
Genome position (GRCh38, 1-based): chr2:219,556,152, C>T on the plus strand (G>A on the coding strand, the complement: OBSL1 is on the minus strand). VCF-style: chr2-219556152-C-T. GRCh37 (hg19) VCF-style: chr2-220420874-C-T.
Other names: c.4477G>A, p.Asp1493Asn (NM_001173431.2); short protein forms D1493N.
Identifiers: ClinVar variation 334471 (VCV000334471.21), dbSNP rs201032988, ClinGen allele CA2130531.

ClinVar aggregate classification (germline): Conflicting classifications of pathogenicity. Review status: criteria provided, conflicting classifications (1 of 4 stars). 7 submissions from 7 submitters: Uncertain significance (1); Likely benign (5). 1 of the submissions does not count toward it. Last evaluated 2026-05-14.

Conditions:
OBSL1-related disorder. Also called: OBSL1-related condition.
3M syndrome 2. Also called: 3-M Syndrome, OBSL1-Related; THREE M SYNDROME 2. Identifiers: Orphanet 2616, MedGen C2752041, MONDO:0013039, OMIM 612921.
Inborn genetic diseases. Identifiers: MedGen C0950123, MeSH D030342.

Allele frequency attached by ClinVar (database versions not stated): gnomAD exomes 0.00046; ExAC 0.00055; ESP Exome Variant Server 0.00151; gnomAD 0.00198 and 0.00210; TOPMed 0.00213; 1000 Genomes Project 30x 0.00234; 1000 Genomes Project 0.00240.
gnomAD v4.1: 679 of 1,613,756 alleles (0.042%); highest among the groups gnomAD compares: African/African-American, 0.66%; 2 homozygotes.

Submissions (7):

Women's Health and Genetics/Laboratory Corporation of America, LabCorp
Classification: Likely benign. Last evaluated: 2026-05-14. Review status: criteria provided, single submitter. Criteria: LabCorp Variant Classification Summary - May 2015. Collection method: clinical testing. Allele origin: germline.
Comment: Variant summary: OBSL1 c.4477G>A (p.Asp1493Asn) results in a conservative amino acid change in the encoded protein sequence. Algorithms developed to predict the effect of missense changes on protein structure and function are either unavailable or do not agree on the potential impact of this missense change. The variant allele was found at a frequency of 0.00046 in 247434 control chromosomes, predominantly at a frequency of 0.006 within the African or African-American subpopulation in the gnomAD database. The observed variant frequency within African or African-American control individuals in the gnomAD database exceeds the estimated maximal expected allele frequency for disease-causing variants in OBSL1. To our knowledge, no occurrence of c.4477G>A in individuals affected with OBSL1-related conditions and no experimental evidence demonstrating its impact on protein function have been reported. ClinVar contains an entry for this variant (Variation ID: 334471). Based on the evidence outlined above, the variant was classified as likely benign.

Labcorp Genetics (formerly Invitae), Labcorp
Classification: Likely benign. Last evaluated: 2026-01-21. Review status: criteria provided, single submitter. Criteria: Invitae Variant Classification Sherloc (09022015). Collection method: clinical testing. Allele origin: germline.

Ambry Genetics
Classification: Uncertain significance for Inborn genetic diseases. Last evaluated: 2024-11-10. Review status: criteria provided, single submitter. Criteria: Ambry Variant Classification Scheme 2023. Collection method: clinical testing. Allele origin: germline.

Blueprint Genetics
Classification: Likely benign. Last evaluated: 2024-02-23. Review status: criteria provided, single submitter. Criteria: ACMG Guidelines, 2015. Collection method: clinical testing. Allele origin: germline.

Illumina Laboratory Services, Illumina
Classification: Likely benign for 3M syndrome 2. Last evaluated: 2018-01-13. Review status: criteria provided, single submitter. Criteria: ICSL Variant Classification Criteria 13 December 2019. Collection method: clinical testing. Allele origin: germline.
Comment: This variant was observed in the ICSL laboratory as part of a predisposition screen in an ostensibly healthy population. It had not been previously curated by ICSL or reported in the Human Gene Mutation Database (HGMD: prior to June 1st, 2018), and was therefore a candidate for classification through an automated scoring system. Utilizing variant allele frequency, disease prevalence and penetrance estimates, and inheritance mode, an automated score was calculated to assess if this variant is too frequent to cause the disease. Based on the score and internal cut-off values, a variant classified as likely benign is not then subjected to further curation. The score for this variant resulted in a classification of likely benign for this disease.

Breakthrough Genomics
Classification: Likely benign. Review status: criteria provided, single submitter. Criteria: ACMG Guidelines, 2015. Collection method: not provided. Allele origin: germline. Inheritance: Autosomal recessive inheritance. Affected: yes.

PreventionGenetics, part of Exact Sciences
Classification: Likely benign for OBSL1-related condition. Last evaluated: 2019-12-19. Review status: no assertion criteria provided. Collection method: clinical testing. Allele origin: germline. Not counted in ClinVar's aggregate classification.
Comment: This variant is classified as likely benign based on ACMG/AMP sequence variant interpretation guidelines (Richards et al. 2015 PMID: 25741868, with internal and published modifications).